The following is an entry in ClinVar:

NM_000297.4(PKD2):c.1268_1269del (p.Phe423fs)

Gene: PKD2 (polycystin 2, transient receptor potential cation channel; plus strand). Cytogenetic location: 4q22.1.
Variant type: Deletion.
Coding change: c.1268_1269del on transcript NM_000297.4 (MANE Select); coding-DNA positions 1268 to 1269, 2 bases deleted (TT; older notation c.1268_1269delTT).
Protein change: p.Phe423fs; shifts the reading frame from phenylalanine 423.
Molecular consequence: frameshift variant. On other transcripts: non-coding transcript variant (1), intron variant (1).
Genome position (GRCh38, 1-based): chr4:88,043,406-88,043,407, TT deleted; deleting any 2 consecutive bases within chr4:88,043,404-88,043,407 gives the same sequence; the c. name uses the placement nearest the transcript's 3' end. VCF-style (leftmost placement, unchanged base first): chr4-88043403-CTT-C. GRCh37 (hg19) VCF-style: chr4-88964555-CTT-C.
Other names: c.1095-3236_1095-3235del (NM_001440544.1); short protein forms F423fs.
Identifiers: ClinVar variation 4077094 (VCV004077094.1).

ClinVar aggregate classification (germline): Pathogenic (1 of 4 stars; one submission).

Conditions:
Polycystic kidney disease 2 (PKD2). Also called: Polycystic Kidney Disease 2, Autosomal Dominant; POLYCYSTIC KIDNEY DISEASE 2 WITH OR WITHOUT POLYCYSTIC LIVER DISEASE; POLYCYSTIC KIDNEY DISEASE, ADULT, TYPE II. Identifiers: MedGen C2751306, MONDO:0013131, OMIM 613095.

Submission:

MVZ Medizinische Genetik Mainz
Classification: Pathogenic for Polycystic kidney disease 2. Last evaluated: 2025-07-30. Review status: criteria provided, single submitter. Criteria: UK Practice Guidelines For Variant Classification V4 01 2020. Collection method: clinical testing. Allele origin: germline. Inheritance: Autosomal dominant inheritance. Affected: yes. Observed: 1 variant allele.
Comment: ACMG Criteria: PVS1,PM2_SUP,PP4